The following is an entry in ClinVar:

ClinVar aggregate classification (germline): Pathogenic (1 of 4 stars; one submission).

Conditions:
GLUT1 deficiency syndrome 1, autosomal recessive. Identifiers: MedGen C3149117.

Submission:

Labcorp Genetics (formerly Invitae), Labcorp
Classification: Pathogenic for GLUT1 deficiency syndrome 1, autosomal recessive. Last evaluated: 2021-10-06. Review status: criteria provided, single submitter. Criteria: Invitae Variant Classification Sherloc (09022015). Collection method: clinical testing. Allele origin: germline.
Comment: This sequence change creates a premature translational stop signal (p.Glu359*) in the SLC2A1 gene. It is expected to result in an absent or disrupted protein product. Loss-of-function variants in SLC2A1 are known to be pathogenic (PMID: 21832227, 26193382). For these reasons, this variant has been classified as Pathogenic. Algorithms developed to predict the effect of sequence changes on RNA splicing suggest that this variant may disrupt the consensus splice site. This variant has not been reported in the literature in individuals affected with SLC2A1-related conditions. This variant is not present in population databases (ExAC no frequency).

Literature cited by the submitters: PubMed 21832227; PubMed 26193382.

NM_006516.4(SLC2A1):c.1075G>T (p.Glu359Ter)

Gene: SLC2A1 (solute carrier family 2 member 1; minus strand). Cytogenetic location: 1p34.2.
Variant type: single nucleotide variant.
Coding change: c.1075G>T on transcript NM_006516.4 (MANE Select); coding-DNA position 1075, G replaced by T.
Protein change: p.Glu359Ter; replaces glutamic acid 359 with a stop codon.
Molecular consequence: nonsense.
Genome position (GRCh38, 1-based): chr1:42,927,808, C>A on the plus strand (G>T on the coding strand, the complement: SLC2A1 is on the minus strand). VCF-style: chr1-42927808-C-A. GRCh37 (hg19) VCF-style: chr1-43393479-C-A.
Other names: short protein forms E359*.
Identifiers: ClinVar variation 1391601 (VCV001391601.6), dbSNP rs1643443798, ClinGen allele CA339954499.